The following is an entry in ClinVar:

NM_000038.6(APC):c.3184_3200dup (p.Gln1067fs)

Gene: APC (APC regulator of Wnt signaling pathway; plus strand). Cytogenetic location: 5q22.2.
Variant type: Duplication.
Coding change: c.3184_3200dup on transcript NM_000038.6 (MANE Select); coding-DNA positions 3184 to 3200, 17 bases duplicated (CAAAGTGAGCAAAGACA).
Protein change: p.Gln1067fs; shifts the reading frame from glutamine 1067.
Molecular consequence: frameshift variant.
Genome position (GRCh38, 1-based): chr5:112,838,778-112,838,794, CAAAGTGAGCAAAGACA duplicated; duplicating any 17 consecutive bases within chr5:112,838,777-112,838,794 gives the same sequence; the c. name uses the placement nearest the transcript's 3' end. VCF-style (leftmost placement, unchanged base first): chr5-112838776-A-AACAAAGTGAGCAAAGAC. GRCh37 (hg19) VCF-style: chr5-112174473-A-AACAAAGTGAGCAAAGAC.
Other names: c.3184_3200dup, p.Gln1067fs (NM_001127510.3, NM_001354895.2); c.3130_3146dup, p.Gln1049fs (NM_001127511.3); c.3238_3254dup, p.Gln1085fs (NM_001354896.2); c.3214_3230dup, p.Gln1077fs (NM_001354897.2); c.3109_3125dup, p.Gln1042fs (NM_001354898.2); c.3100_3116dup, p.Gln1039fs (NM_001354899.2); c.3061_3077dup, p.Gln1026fs (NM_001354900.2); c.3007_3023dup, p.Gln1008fs (NM_001354901.2); and 16 more; short protein forms Q941fs, Q966fs, Q1026fs, Q1077fs, Q1085fs, Q784fs, Q1039fs, Q1042fs.
Identifiers: ClinVar variation 1728569 (VCV001728569.4), dbSNP rs2533477739, ClinGen allele CA2580072823.

ClinVar aggregate classification (germline): Pathogenic. Review status: criteria provided, multiple submitters, no conflicts (2 of 4 stars). 2 submissions from 2 submitters: Pathogenic (2). Last evaluated 2023-05-08.

Conditions:
Hereditary cancer-predisposing syndrome. Also called: Tumor predisposition; Neoplastic Syndromes, Hereditary; Hereditary Cancer Syndrome; Hereditary neoplastic syndrome. Identifiers: Orphanet 140162, MedGen C0027672, MeSH D009386, MONDO:0015356.
Familial adenomatous polyposis 1 (FAP1). Also called: FAMILIAL ADENOMATOUS POLYPOSIS 1, ATTENUATED; POLYPOSIS, ADENOMATOUS INTESTINAL. Identifiers: MedGen C2713442, MONDO:0021056, OMIM 175100. Disease mechanism: loss of function.

Submissions (2):

Myriad Genetics, Inc.
Classification: Pathogenic for Familial adenomatous polyposis 1. Last evaluated: 2023-05-08. Review status: criteria provided, single submitter. Criteria: Myriad Autosomal Dominant, Autosomal Recessive and X-Linked Classification Criteria (2023). Collection method: clinical testing. Allele origin: unknown.
Comment: This variant is considered pathogenic. This variant creates a frameshift predicted to result in premature protein truncation.

Ambry Genetics
Classification: Pathogenic for Hereditary cancer-predisposing syndrome. Last evaluated: 2020-11-13. Review status: criteria provided, single submitter. Criteria: Ambry Variant Classification Scheme 2023. Collection method: clinical testing. Allele origin: germline.
Comment: The c.3184_3200dup17 pathogenic mutation, located in coding exon 15 of the APC gene, results from a duplication of 17 nucleotides at position 3184, causing a translational frameshift with a predicted alternate stop codon (p.Q1067Hfs*65). This alteration occurs at the 3' terminus of APC gene, is not expected to trigger nonsense-mediated mRNA decay, and impacts the last 1713 amino acids of the protein. However, premature stop codons are typically deleterious in nature and the impacted region is critical for protein function and a significant portion of the protein is affected. This variant was not reported in population-based cohorts in the Genome Aggregation Database (gnomAD). Based on the supporting evidence, this alteration is interpreted as a disease-causing mutation.